The following is an entry in ClinVar:

NM_006269.2(RP1):c.4755T>G (p.Ser1585Arg)

Gene: RP1 (RP1 axonemal microtubule associated; plus strand). Cytogenetic location: 8q12.1.
Variant type: single nucleotide variant.
Coding change: c.4755T>G on transcript NM_006269.2 (MANE Select); coding-DNA position 4755, T replaced by G.
Protein change: p.Ser1585Arg; replaces serine 1585 with arginine.
Molecular consequence: missense variant. On other transcripts: intron variant (1).
Genome position (GRCh38, 1-based): chr8:54,628,637, T>G. VCF-style: chr8-54628637-T-G. GRCh37 (hg19) VCF-style: chr8-55541197-T-G.
Other names: c.787+6349T>G (NM_001375654.1); short protein forms S1585R.
Identifiers: ClinVar variation 2075294 (VCV002075294.4), dbSNP rs1158714773, ClinGen allele CA370983117.

ClinVar aggregate classification (germline): Uncertain significance (1 of 4 stars; one submission).

Submission:

Labcorp Genetics (formerly Invitae), Labcorp
Classification: Uncertain significance. Last evaluated: 2024-03-04. Review status: criteria provided, single submitter. Criteria: Invitae Variant Classification Sherloc (09022015). Collection method: clinical testing. Allele origin: germline.
Comment: This sequence change replaces serine, which is neutral and polar, with arginine, which is basic and polar, at codon 1585 of the RP1 protein (p.Ser1585Arg). This variant is not present in population databases (gnomAD no frequency). This variant has not been reported in the literature in individuals affected with RP1-related conditions. ClinVar contains an entry for this variant (Variation ID: 2075294). Algorithms developed to predict the effect of missense changes on protein structure and function output the following: SIFT: "Not Available"; PolyPhen-2: "Benign"; Align-GVGD: "Not Available". The arginine amino acid residue is found in multiple mammalian species, which suggests that this missense change does not adversely affect protein function. In summary, the available evidence is currently insufficient to determine the role of this variant in disease. Therefore, it has been classified as a Variant of Uncertain Significance.